The following is an entry in ClinVar:

ClinVar aggregate classification (germline): Uncertain significance (1 of 4 stars; one submission).

Conditions:
Progressive familial heart block type IB (PFHB1B). Identifiers: Orphanet 871, MedGen C1970298, MONDO:0011474, OMIM 604559.

Submission:

Labcorp Genetics (formerly Invitae), Labcorp
Classification: Uncertain significance for Progressive familial heart block type IB. Last evaluated: 2023-09-17. Review status: criteria provided, single submitter. Criteria: Invitae Variant Classification Sherloc (09022015). Collection method: clinical testing. Allele origin: germline.
Comment: In summary, the available evidence is currently insufficient to determine the role of this variant in disease. Therefore, it has been classified as a Variant of Uncertain Significance. An algorithm developed to predict the effect of missense changes on protein structure and function (PolyPhen-2) suggests that this variant is likely to be disruptive. This variant has not been reported in the literature in individuals affected with TRPM4-related conditions. This variant is not present in population databases (gnomAD no frequency). This sequence change replaces lysine, which is basic and polar, with methionine, which is neutral and non-polar, at codon 679 of the TRPM4 protein (p.Lys679Met).

NM_017636.4(TRPM4):c.2036A>T (p.Lys679Met)

Gene: TRPM4 (transient receptor potential cation channel subfamily M member 4; plus strand). Cytogenetic location: 19q13.33.
Variant type: single nucleotide variant.
Coding change: c.2036A>T on transcript NM_017636.4 (MANE Select); coding-DNA position 2036, A replaced by T.
Protein change: p.Lys679Met; replaces lysine 679 with methionine.
Molecular consequence: missense variant.
Genome position (GRCh38, 1-based): chr19:49,190,224, A>T. VCF-style: chr19-49190224-A-T. GRCh37 (hg19) VCF-style: chr19-49693481-A-T.
Other names: c.974A>T, p.Lys325Met (NM_001321285.2); c.2036A>T, p.Lys679Met (NM_001195227.2); c.1691A>T, p.Lys564Met (NM_001321281.2); c.428A>T, p.Lys143Met (NM_001321282.2); c.1514A>T, p.Lys505Met (NM_001321283.2); short protein forms K143M, K325M, K564M, K679M, K505M.
Identifiers: ClinVar variation 2761337 (VCV002761337.3), dbSNP rs2514150337, ClinGen allele CA406804995.